The following is an entry in ClinVar:

ClinVar aggregate classification (germline): Uncertain significance (1 of 4 stars; one submission).

Conditions:
PMM2-congenital disorder of glycosylation. Also called: Congenital disorder of glycosylation, type Ia; CDG Ia; JAEKEN SYNDROME; PHOSPHOMANNOMUTASE 2 DEFICIENCY; CARBOHYDRATE-DEFICIENT GLYCOPROTEIN SYNDROME, TYPE Ia; PMM2-CDG. Identifiers: Orphanet 79318, MedGen C0349653, MONDO:0008907, OMIM 212065.

gnomAD v4.1: 1 of 1,610,666 alleles (0.000062%); highest among the groups gnomAD compares: Admixed American, 0.0017%; no homozygotes.

Submission:

Laboratorio de Genetica e Diagnostico Molecular, Hospital Israelita Albert Einstein
Classification: Uncertain significance for PMM2-congenital disorder of glycosylation. Last evaluated: 2023-12-28. Review status: criteria provided, single submitter. Criteria: ACMG Guidelines, 2015. Collection method: clinical testing. Allele origin: germline. Affected: yes.
Comment: ACMG classification criteria: PM2 moderate, PP3 supporting

NM_000303.3(PMM2):c.34G>T (p.Asp12Tyr)

Gene: PMM2 (phosphomannomutase 2; plus strand). Cytogenetic location: 16p13.2.
Variant type: single nucleotide variant.
Coding change: c.34G>T on transcript NM_000303.3 (MANE Select); coding-DNA position 34, G replaced by T.
Protein change: p.Asp12Tyr; replaces aspartic acid 12 with tyrosine.
Molecular consequence: missense variant.
Genome position (GRCh38, 1-based): chr16:8,797,916, G>T. VCF-style: chr16-8797916-G-T. GRCh37 (hg19) VCF-style: chr16-8891773-G-T.
Other names: short protein forms D12Y.
Identifiers: ClinVar variation 4056741 (VCV004056741.1).